The following is an entry in ClinVar:

NM_001113491.2(SEPTIN9):c.866G>A (p.Arg289His)

Gene: SEPTIN9 (septin 9; plus strand). Cytogenetic location: 17q25.3.
Variant type: single nucleotide variant.
Coding change: c.866G>A on transcript NM_001113491.2 (MANE Select); coding-DNA position 866, G replaced by A.
Protein change: p.Arg289His; replaces arginine 289 with histidine.
Molecular consequence: missense variant.
Genome position (GRCh38, 1-based): chr17:77,482,288, G>A. VCF-style: chr17-77482288-G-A. GRCh37 (hg19) VCF-style: chr17-75478370-G-A.
Other names: c.374G>A, p.Arg125His (NM_001113492.2, NM_001113494.1); c.845G>A, p.Arg282His (NM_001113493.2); c.113G>A, p.Arg38His (NM_001113495.2, NM_001113496.2, NM_001293697.2 and 1 more transcripts); c.809G>A, p.Arg270His (NM_001293695.2); c.194G>A, p.Arg65His (NM_001293696.2); c.812G>A, p.Arg271His (NM_006640.5); short protein forms R177H, R271H, R270H, R282H, R38H, R125H, R65H, R289H.
Identifiers: ClinVar variation 157523 (VCV000157523.5), dbSNP rs587781247, ClinGen allele CA270926.

ClinVar aggregate classification (germline): Uncertain significance. Review status: criteria provided, single submitter (1 of 4 stars). 2 submissions from 2 submitters: Uncertain significance (1). 1 of the submissions does not count toward it. Last evaluated 2025-06-18.

Conditions:
Charcot-Marie-Tooth disease. Also called: Charcot-Marie-Tooth Hereditary Neuropathy; Charcot-Marie-Tooth Neuropathy. Identifiers: Orphanet 166, MedGen C0007959, MONDO:0015626.

Allele frequency attached by ClinVar (database versions not stated): TOPMed 0.00001; gnomAD exomes 0.00002; ExAC 0.00003; gnomAD 0.00003.
gnomAD v4.1: 20 of 1,613,090 alleles (0.0012%); highest among the groups gnomAD compares: Admixed American, 0.0033%; no homozygotes.

Submissions (2):

Labcorp Genetics (formerly Invitae), Labcorp
Classification: Uncertain significance. Last evaluated: 2025-06-18. Review status: criteria provided, single submitter. Criteria: Invitae Variant Classification Sherloc (09022015). Collection method: clinical testing. Allele origin: germline.
Comment: This sequence change replaces arginine, which is basic and polar, with histidine, which is basic and polar, at codon 271 of the SEPT9 protein (p.Arg271His). This variant is present in population databases (rs587781247, gnomAD 0.003%). This missense change has been observed in individual(s) with Charcot-Marie-Tooth disease (PMID: 25025039). This variant is also known as c.530G>A p.R177H. ClinVar contains an entry for this variant (Variation ID: 157523). Invitae Evidence Modeling of protein sequence and biophysical properties (such as structural, functional, and spatial information, amino acid conservation, physicochemical variation, residue mobility, and thermodynamic stability) indicates that this missense variant is not expected to disrupt SEPT9 protein function with a negative predictive value of 80%. In summary, the available evidence is currently insufficient to determine the role of this variant in disease. Therefore, it has been classified as a Variant of Uncertain Significance.

Dept. of Medical Genetics, Telemark Hospital Trust, Telemark Hospital Trust
Classification: Uncertain significance for Charcot-Marie-Tooth disease. Last evaluated: 2013-11-01. Review status: no assertion criteria provided. Collection method: research. Allele origin: unknown. Affected: yes. Study: Charcot-Marie-Tooth disease study. Not counted in ClinVar's aggregate classification.
Comment: Populational based study of Charcot-Marie-Tooth disease in Norway

Literature cited by the submitters: PubMed 25025039 (cited by Labcorp Genetics (formerly Invitae), Labcorp and Dept. of Medical Genetics, Telemark Hospital Trust, Telemark Hospital Trust); PMC 4306395 (cited by Dept. of Medical Genetics, Telemark Hospital Trust, Telemark Hospital Trust).